The following is an entry in ClinVar:

ClinVar aggregate classification (germline): Pathogenic/Likely pathogenic. Review status: criteria provided, multiple submitters, no conflicts (2 of 4 stars). 3 submissions from 3 submitters: Pathogenic (1); Likely pathogenic (2). Last evaluated 2024-04-17.

Conditions:
Hepatoencephalopathy due to combined oxidative phosphorylation defect type 1. Also called: HEPATOENCEPHALOPATHY, EARLY FATAL PROGRESSIVE. Identifiers: Orphanet 137681, MedGen C1836797, MONDO:0012191, OMIM 609060.

Allele frequency attached by ClinVar (database versions not stated): gnomAD exomes below 0.00001 and 0.00001; gnomAD 0.00001; ExAC 0.00002.
gnomAD v4.1: 7 of 1,613,866 alleles (0.00043%); highest among the groups gnomAD compares: South Asian, 0.0022%; no homozygotes.

Submissions (3):

Labcorp Genetics (formerly Invitae), Labcorp
Classification: Pathogenic. Last evaluated: 2024-04-17. Review status: criteria provided, single submitter. Criteria: Invitae Variant Classification Sherloc (09022015). Collection method: clinical testing. Allele origin: germline.
Comment: This sequence change creates a premature translational stop signal (p.Arg364*) in the GFM1 gene. It is expected to result in an absent or disrupted protein product. Loss-of-function variants in GFM1 are known to be pathogenic (PMID: 16632485, 17160893). This variant is present in population databases (rs775919783, gnomAD 0.008%). This variant has not been reported in the literature in individuals affected with GFM1-related conditions. ClinVar contains an entry for this variant (Variation ID: 1075664). Algorithms developed to predict the effect of sequence changes on RNA splicing suggest that this variant may disrupt the consensus splice site. For these reasons, this variant has been classified as Pathogenic.

Fulgent Genetics
Classification: Likely pathogenic for Hepatoencephalopathy due to combined oxidative phosphorylation defect type 1. Last evaluated: 2024-03-04. Review status: criteria provided, single submitter. Criteria: ACMG Guidelines, 2015. Collection method: clinical testing. Allele origin: germline.

Baylor Genetics
Classification: Likely pathogenic for Hepatoencephalopathy due to combined oxidative phosphorylation defect type 1. Last evaluated: 2022-05-13. Review status: criteria provided, single submitter. Criteria: ACMG Guidelines, 2015. Collection method: clinical testing. Allele origin: unknown.

Literature cited by the submitters: PubMed 16632485 (cited by Labcorp Genetics (formerly Invitae), Labcorp); PubMed 17160893 (cited by Labcorp Genetics (formerly Invitae), Labcorp).

NM_024996.7(GFM1):c.1090C>T (p.Arg364Ter)

Gene: GFM1 (G elongation factor mitochondrial 1; plus strand). Cytogenetic location: 3q25.32.
Variant type: single nucleotide variant.
Coding change: c.1090C>T on transcript NM_024996.7 (MANE Select); coding-DNA position 1090, C replaced by T.
Protein change: p.Arg364Ter; replaces arginine 364 with a stop codon.
Molecular consequence: nonsense. On other transcripts: non-coding transcript variant (4), intron variant (1).
Genome position (GRCh38, 1-based): chr3:158,658,928, C>T. VCF-style: chr3-158658928-C-T. GRCh37 (hg19) VCF-style: chr3-158376717-C-T.
Other names: c.1147C>T, p.Arg383Ter (NM_001308164.2); c.1090C>T, p.Arg364Ter (NM_001308166.2); c.973C>T, p.Arg325Ter (NM_001374356.1); c.865C>T, p.Arg289Ter (NM_001374357.1); c.631C>T, p.Arg211Ter (NM_001374358.1); c.523C>T, p.Arg175Ter (NM_001374359.1, NM_001374360.1); c.406C>T, p.Arg136Ter (NM_001374361.1); c.1141-1946C>T (NM_001374355.1); short protein forms R136*, R175*, R211*, R289*, R325*, R364*, R383*.
Identifiers: ClinVar variation 1075664 (VCV001075664.9), dbSNP rs775919783, ClinGen allele CA2682535.